The following is an entry in ClinVar:

ClinVar aggregate classification (germline): Uncertain significance (1 of 4 stars; one submission).

Conditions:
Familial adenomatous polyposis 2. Also called: COLORECTAL ADENOMATOUS POLYPOSIS, AUTOSOMAL RECESSIVE; ADENOMAS, MULTIPLE COLORECTAL, AUTOSOMAL RECESSIVE; FAP type 2; MUTYH Polyposis; MYH-associated polyposis; Adenomas, multiple colorectal. Identifiers: Orphanet 220460, Orphanet 247798, MedGen C3272841, MONDO:0012041, OMIM 608456.

Submission:

Labcorp Genetics (formerly Invitae), Labcorp
Classification: Uncertain significance for Familial adenomatous polyposis 2. Last evaluated: 2024-01-30. Review status: criteria provided, single submitter. Criteria: Invitae Variant Classification Sherloc (09022015). Collection method: clinical testing. Allele origin: germline.
Comment: This sequence change replaces glutamine, which is neutral and polar, with proline, which is neutral and non-polar, at codon 549 of the MUTYH protein (p.Gln549Pro). This variant is not present in population databases (gnomAD no frequency). This variant has not been reported in the literature in individuals affected with MUTYH-related conditions. An algorithm developed to predict the effect of missense changes on protein structure and function (PolyPhen-2) suggests that this variant is likely to be disruptive. In summary, the available evidence is currently insufficient to determine the role of this variant in disease. Therefore, it has been classified as a Variant of Uncertain Significance.

NM_001048174.2(MUTYH):c.1562A>C (p.Gln521Pro)

Gene: MUTYH (mutY DNA glycosylase; minus strand). Cytogenetic location: 1p34.1.
Variant type: single nucleotide variant.
Coding change: c.1562A>C on transcript NM_001048174.2 (MANE Select); coding-DNA position 1562, A replaced by C.
Protein change: p.Gln521Pro; replaces glutamine 521 with proline.
Molecular consequence: missense variant. On other transcripts: non-coding transcript variant (7).
Genome position (GRCh38, 1-based): chr1:45,329,310, T>G on the plus strand (A>C on the coding strand, the complement: MUTYH is on the minus strand). VCF-style: chr1-45329310-T-G. GRCh37 (hg19) VCF-style: chr1-45794982-T-G.
Other names: c.1562A>C, p.Gln521Pro (NM_001048171.2, NM_001048173.2, NM_001407081.1 and 6 more transcripts); c.1565A>C, p.Gln522Pro (NM_001048172.2, NM_001407086.1, NM_001407071.1 and 1 more transcripts); c.1520A>C, p.Gln507Pro (NM_001407080.1); c.1217A>C, p.Gln406Pro (NM_001407082.1, NM_001350650.2, NM_001350651.2); c.1604A>C, p.Gln535Pro (NM_001407083.1, NM_001407085.1); c.1583A>C, p.Gln528Pro (NM_001407087.1); c.1286A>C, p.Gln429Pro (NM_001407091.1, NM_001293192.2, NM_001293196.2); c.1637A>C, p.Gln546Pro (NM_012222.3); and 5 more; short protein forms Q507P, Q521P, Q522P, Q532P, Q406P, Q429P, Q493P, Q535P.
Identifiers: ClinVar variation 2710233 (VCV002710233.3), dbSNP rs2523724866, ClinGen allele CA340131471.
Genomic context (GRCh38, chr1:45,329,310, plus strand): 5'-AAAATAAGCACTTTACTAACAACAGGATTCTCAGGGAATGGGGGCTTTCAGAGGTGTCAC[T>G]GGGCTGCACTGTTGAGGCTGTGTGCATCAGTGGAGATGTGAGACCGAAAGAAATTATCCA-3'
Protein context (NP_001041639.1, residues 511-521): TDAHSLNSAA[Gln521Pro]